The following is an entry in ClinVar:

NM_000535.7(PMS2):c.2361C>T (p.Ile787=)

Gene: PMS2 (PMS1 homolog 2, mismatch repair system component; minus strand). Cytogenetic location: 7p22.1.
Variant type: single nucleotide variant.
Coding change: c.2361C>T on transcript NM_000535.7 (MANE Select); coding-DNA position 2361, C replaced by T.
Protein change: p.Ile787=; no amino-acid change (isoleucine 787 retained).
Molecular consequence: synonymous variant. On other transcripts: non-coding transcript variant (1).
Genome position (GRCh38, 1-based): chr7:5,977,672, G>A on the plus strand (C>T on the coding strand, the complement: PMS2 is on the minus strand). VCF-style: chr7-5977672-G-A. GRCh37 (hg19) VCF-style: chr7-6017303-G-A.
Other names: c.1788C>T, p.Ile596= (NM_001322013.2, NM_001406908.1, NM_001406909.1); c.2385C>T, p.Ile795= (NM_001406868.1); c.2253C>T, p.Ile751= (NM_001406869.1); c.2238C>T, p.Ile746= (NM_001406870.1); c.2217C>T, p.Ile739= (NM_001406871.1); c.2394C>T, p.Ile798= (NM_001322014.2); c.2052C>T, p.Ile684= (NM_001322015.2, NM_001406877.1, NM_001406878.1 and 4 more transcripts); c.2547C>T, p.Ile849= (NM_001406866.1); and 20 more.
Identifiers: ClinVar variation 1790167 (VCV001790167.6), dbSNP rs1064794923, ClinGen allele CA453642406.
Genomic context (GRCh38, chr7:5,977,672, plus strand): 5'-AAACATCTGCTTGACTCGGGAAGGCCGGCACATGACCCCAGGGCTGTCGCTCAGCATGAA[G>A]ATCAGTTCATCGACGTCCTGGGGTCCGAAGGTCCAGTTTTTACTAGTTGGCAAGGAAATC-3'
Protein context (NP_000526.2, residues 777-797): TFGPQDVDEL[Ile787=]FMLSDSPGVM

ClinVar aggregate classification (germline): Benign/Likely benign. Review status: criteria provided, multiple submitters, no conflicts (2 of 4 stars). 3 submissions from 3 submitters: Benign (1); Likely benign (2). Last evaluated 2025-02-04.

Conditions:
Hereditary cancer-predisposing syndrome. Also called: Hereditary Cancer Syndrome; Hereditary neoplastic syndrome; Tumor predisposition; Neoplastic Syndromes, Hereditary. Identifiers: Orphanet 140162, MedGen C0027672, MeSH D009386, MONDO:0015356.
Hereditary nonpolyposis colorectal neoplasms. Identifiers: MedGen C0009405, MeSH D003123.
Lynch syndrome 4 (LYNCH4). Also called: Colorectal cancer, hereditary nonpolyposis, type 4; Hereditary non-polyposis colorectal cancer, type 4. Identifiers: Orphanet 144, MedGen C1838333, MONDO:0013699, OMIM 614337. Disease mechanism: loss of function.

Submissions (3):

Myriad Genetics, Inc.
Classification: Benign for Lynch syndrome 4. Last evaluated: 2025-02-04. Review status: criteria provided, single submitter. Criteria: Myriad Autosomal Dominant, Autosomal Recessive and X-Linked Classification Criteria (2023). Collection method: clinical testing. Allele origin: unknown.
Comment: This variant is considered benign. This variant is a silent/synonymous amino acid change and it is not expected to impact splicing.

Labcorp Genetics (formerly Invitae), Labcorp
Classification: Likely benign for Hereditary nonpolyposis colorectal neoplasms. Last evaluated: 2024-08-14. Review status: criteria provided, single submitter. Criteria: Invitae Variant Classification Sherloc (09022015). Collection method: clinical testing. Allele origin: germline.

Ambry Genetics
Classification: Likely benign for Hereditary cancer-predisposing syndrome. Last evaluated: 2022-07-10. Review status: criteria provided, single submitter. Criteria: Ambry Variant Classification Scheme 2023. Collection method: clinical testing. Allele origin: germline.